The following is an entry in ClinVar:

NM_001110556.2(FLNA):c.5477G>A (p.Gly1826Asp)

Gene: FLNA (filamin A; minus strand). Cytogenetic location: Xq28.
Variant type: single nucleotide variant.
Coding change: c.5477G>A on transcript NM_001110556.2 (MANE Select); coding-DNA position 5477, G replaced by A.
Protein change: p.Gly1826Asp; replaces glycine 1826 with aspartic acid.
Molecular consequence: missense variant.
Genome position (GRCh38, 1-based): chrX:154,354,231, C>T on the plus strand (G>A on the coding strand, the complement: FLNA is on the minus strand). VCF-style: chrX-154354231-C-T. GRCh37 (hg19) VCF-style: chrX-153582599-C-T.
Other names: c.5453G>A, p.Gly1818Asp (NM_001456.4); short protein forms G1826D, G1818D.
Identifiers: ClinVar variation 2005663 (VCV002005663.4), dbSNP rs1372737694, ClinGen allele CA415204153.

ClinVar aggregate classification (germline): Uncertain significance (1 of 4 stars; one submission).

Conditions:
Oto-palato-digital syndrome, type II (OPD2). Also called: FACIOPALATOOSSEOUS SYNDROME; OPD II SYNDROME; Otopalatodigital Syndrome Type 2 (FLNA-OPD2); Otopalatodigital Syndrome, Type II. Identifiers: Orphanet 669, Orphanet 90652, MedGen C1844696, MONDO:0010571, OMIM 304120.
Melnick-Needles syndrome (MNS). Also called: MELNICK-NEEDLES OSTEODYSPLASTY; OSTEODYSPLASTY OF MELNICK AND NEEDLES; Melnick-Needles Syndrome (FLNA-MNS). Identifiers: Orphanet 2484, MedGen C0025237, MONDO:0010650, OMIM 309350.
Frontometaphyseal dysplasia (FMD1). Identifiers: Orphanet 1826, MedGen C0265293, MONDO:0015942.
Heterotopia, periventricular, X-linked dominant (PVNH1). Also called: PERIVENTRICULAR NODULAR HETEROTOPIA 1; X-linked periventricular heterotopia; PERIVENTRICULAR NODULAR HETEROTOPIA 4; HETEROTOPIA, PERIVENTRICULAR, 1. Identifiers: Orphanet 2149, Orphanet 82004, MedGen C1848213, MONDO:0010233, OMIM 300049.

Submission:

Labcorp Genetics (formerly Invitae), Labcorp
Classification: Uncertain significance for Oto-palato-digital syndrome, type II; Heterotopia, periventricular, X-linked dominant; Frontometaphyseal dysplasia; Melnick-Needles syndrome. Last evaluated: 2021-12-16. Review status: criteria provided, single submitter. Criteria: Invitae Variant Classification Sherloc (09022015). Collection method: clinical testing. Allele origin: germline.
Comment: This sequence change replaces glycine, which is neutral and non-polar, with aspartic acid, which is acidic and polar, at codon 1818 of the FLNA protein (p.Gly1818Asp). This variant is not present in population databases (gnomAD no frequency). This variant has not been reported in the literature in individuals affected with FLNA-related conditions. Algorithms developed to predict the effect of missense changes on protein structure and function (SIFT, PolyPhen-2, Align-GVGD) all suggest that this variant is likely to be disruptive. In summary, the available evidence is currently insufficient to determine the role of this variant in disease. Therefore, it has been classified as a Variant of Uncertain Significance.